The following is an entry in ClinVar:

ClinVar aggregate classification (germline): Uncertain significance (1 of 4 stars; one submission).

Conditions:
Developmental and epileptic encephalopathy, 11 (DEE11). Also called: Early infantile epileptic encephalopathy 11. Identifiers: Orphanet 1934, MedGen C3150987, MONDO:0013388, OMIM 613721.
Seizures, benign familial infantile, 3 (BFIS3). Also called: CONVULSIONS, BENIGN FAMILIAL INFANTILE, 3; Familial neonatal seizures. Identifiers: Orphanet 140927, Orphanet 306, MedGen C1843140, MONDO:0011904, OMIM 607745.

Submission:

Labcorp Genetics (formerly Invitae), Labcorp
Classification: Uncertain significance for Seizures, benign familial infantile, 3; Developmental and epileptic encephalopathy, 11. Last evaluated: 2020-09-10. Review status: criteria provided, single submitter. Criteria: Invitae Variant Classification Sherloc (09022015). Collection method: clinical testing. Allele origin: germline.
Comment: This variant results in a copy number gain of the genomic region encompassing exon(s) 17-20 of the SCN2A gene. While the exact position of this variant cannot be determined from the data, sub-genic copy number gains are generally in tandem (PMID: 25640679). This variant is predicted to be in-frame, and likely preserves the integrity of the reading frame. This variant has not been reported in the literature in individuals with SCN2A-related conditions. Experimental studies and prediction algorithms are not available or were not evaluated, and the functional significance of this variant is currently unknown. In summary, the available evidence is currently insufficient to determine the role of this variant in disease. Therefore, it has been classified as a Variant of Uncertain Significance.

Literature cited by the submitters: PubMed 25640679.

NC_000002.11:g.(?_166210692)_(166226819_?)dup

Gene: SCN2A (sodium voltage-gated channel alpha subunit 2; plus strand). Cytogenetic location: 2q24.3.
Variant type: Duplication.
Identifiers: ClinVar variation 1008193 (VCV001008193.1).